The following is an entry in ClinVar:

ClinVar aggregate classification (germline): Likely benign (1 of 4 stars; one submission).

Conditions:
Pheochromocytoma/paraganglioma syndrome 5. Also called: Paragangliomas 5; SDHA-Related Hereditary Paraganglioma-Pheochromocytoma Syndrome. Identifiers: Orphanet 29072, MedGen C3279992, MONDO:0013602, OMIM 614165.

gnomAD v4.1: 1 of 1,611,594 alleles (0.000062%); highest among the groups gnomAD compares: Non-Finnish European, 0.000085%; no homozygotes.

Submission:

Myriad Genetics, Inc.
Classification: Likely benign for Pheochromocytoma/paraganglioma syndrome 5. Last evaluated: 2025-02-28. Review status: criteria provided, single submitter. Criteria: Myriad Autosomal Dominant, Autosomal Recessive and X-Linked Classification Criteria (2023). Collection method: clinical testing. Allele origin: unknown.
Comment: This variant is considered likely benign. This variant is intronic and is not expected to impact mRNA splicing.

NM_004168.4(SDHA):c.312+10A>G

Gene: SDHA (succinate dehydrogenase complex flavoprotein subunit A; plus strand). Cytogenetic location: 5p15.33.
Variant type: single nucleotide variant.
Coding change: c.312+10A>G on transcript NM_004168.4 (MANE Select); 10 bases into the intron after coding-DNA position 312, A replaced by G.
Molecular consequence: intron variant.
Genome position (GRCh38, 1-based): chr5:224,531, A>G. VCF-style: chr5-224531-A-G. GRCh37 (hg19) VCF-style: chr5-224646-A-G.
Other names: c.312+10A>G (NM_001330758.2, NM_001294332.2).
Identifiers: ClinVar variation 3904537 (VCV003904537.1).
Genomic context (GRCh38, chr5:224,531, plus strand): 5'-GCATGTGTTACCAAGCTGTTTCCTACCAGGTCACACACTGTTGCAGCACAGGTAAGAGAA[A>G]GGTGCCCCACTGTGCTCCCACTCCGTGCAGGTCCCGCGCAGCCTCGCACTTTCTACCTGG-3'